The following is an entry in ClinVar:

ClinVar aggregate classification (germline): Uncertain significance (1 of 4 stars; one submission).

Conditions:
Autosomal recessive nonsyndromic hearing loss 7. Also called: DEAFNESS, AUTOSOMAL RECESSIVE 11. Identifiers: Orphanet 90636, MedGen C1832978, MONDO:0010967, OMIM 600974.

gnomAD v4.1: 1 of 1,607,682 alleles (0.000062%); highest among the groups gnomAD compares: Non-Finnish European, 0.000085%; no homozygotes.

Submission:

3billion
Classification: Uncertain significance for Autosomal recessive nonsyndromic hearing loss 7. Last evaluated: 2022-01-03. Review status: criteria provided, single submitter. Criteria: ACMG Guidelines, 2015. Collection method: clinical testing. Allele origin: germline. Affected: yes. Observed: 1 heterozygote.
Comment: A different missense change at the same codon has been reported to be associated with TMC1 related disorder (PMID:26969326, PM5_P). It is not observed in the gnomAD v2.1.1 dataset (PM2_M). In silico tool predictions suggest damaging effect of the variant on gene or gene product (REVEL: 0.885, 3CNET: 0.816, PP3_P). Therefore, this variant is classified as uncertain significance according to the recommendation of ACMG/AMP guideline.

Literature cited by the submitters: PubMed 26969326.

NM_138691.3(TMC1):c.545G>T (p.Gly182Val)

Gene: TMC1 (transmembrane channel like 1; plus strand). Cytogenetic location: 9q21.13.
Variant type: single nucleotide variant.
Coding change: c.545G>T on transcript NM_138691.3 (MANE Select); coding-DNA position 545, G replaced by T.
Protein change: p.Gly182Val; replaces glycine 182 with valine.
Molecular consequence: missense variant.
Genome position (GRCh38, 1-based): chr9:72,751,859, G>T. VCF-style: chr9-72751859-G-T. GRCh37 (hg19) VCF-style: chr9-75366775-G-T.
Other names: short protein forms G182V.
Identifiers: ClinVar variation 1333355 (VCV001333355.1), dbSNP rs199560971, ClinGen allele CA373497492.
Genomic context (GRCh38, chr9:72,751,859, plus strand): 5'-TTGTTTGTTTGCTTTGATCTCTCTTCAAACTTTTTATTTTCTTTGTAATAGGTCAGTTTG[G>T]CTCCTCAGTGGCCTCATACTTCCTCTTCTTGAGATGGATGTATGGAGTCAATATGGTTCT-3'
Protein context (NP_619636.2, residues 172-192): NKIKAIESQF[Gly182Val]SSVASYFLFL